The following is an entry in ClinVar:

ClinVar aggregate classification (germline): Uncertain significance (1 of 4 stars; one submission).

Conditions:
Kabuki syndrome. Also called: NIIKAWA-KUROKI SYNDROME; Kabuki make-up syndrome. Identifiers: Orphanet 2322, MedGen C0796004, MONDO:0016512.

Submission:

Labcorp Genetics (formerly Invitae), Labcorp
Classification: Uncertain significance for Kabuki syndrome. Last evaluated: 2025-08-11. Review status: criteria provided, single submitter. Criteria: Invitae Variant Classification Sherloc (09022015). Collection method: clinical testing. Allele origin: germline.
Comment: This sequence change replaces serine, which is neutral and polar, with leucine, which is neutral and non-polar, at codon 624 of the KMT2D protein (p.Ser624Leu). This variant is not present in population databases (gnomAD no frequency). This variant has not been reported in the literature in individuals affected with KMT2D-related conditions. ClinVar contains an entry for this variant (Variation ID: 1402260). Invitae Evidence Modeling of protein sequence and biophysical properties (such as structural, functional, and spatial information, amino acid conservation, physicochemical variation, residue mobility, and thermodynamic stability) indicates that this missense variant is not expected to disrupt KMT2D protein function with a negative predictive value of 95%. In summary, the available evidence is currently insufficient to determine the role of this variant in disease. Therefore, it has been classified as a Variant of Uncertain Significance.

NM_003482.4(KMT2D):c.1871C>T (p.Ser624Leu)

Gene: KMT2D (lysine methyltransferase 2D; minus strand). Cytogenetic location: 12q13.12.
Variant type: single nucleotide variant.
Coding change: c.1871C>T on transcript NM_003482.4 (MANE Select); coding-DNA position 1871, C replaced by T.
Protein change: p.Ser624Leu; replaces serine 624 with leucine.
Molecular consequence: missense variant.
Genome position (GRCh38, 1-based): chr12:49,051,812, G>A on the plus strand (C>T on the coding strand, the complement: KMT2D is on the minus strand). VCF-style: chr12-49051812-G-A. GRCh37 (hg19) VCF-style: chr12-49445595-G-A.
Other names: short protein forms S624L.
Identifiers: ClinVar variation 1402260 (VCV001402260.8), dbSNP rs2120676797, ClinGen allele CA384669951.